The following is an entry in ClinVar:

ClinVar aggregate classification (germline): Uncertain significance (1 of 4 stars; one submission).

Conditions:
Cardiovascular phenotype. Identifiers: MedGen CN230736.

Submission:

Ambry Genetics
Classification: Uncertain significance for Cardiovascular phenotype. Last evaluated: 2026-06-24. Review status: criteria provided, single submitter. Criteria: Ambry Variant Classification Scheme 2023. Collection method: clinical testing. Allele origin: germline.
Comment: The p.Q451R variant (also known as c.1352A>G), located in coding exon 11 of the ENG gene, results from an A to G substitution at nucleotide position 1352. The glutamine at codon 451 is replaced by arginine, an amino acid with highly similar properties. This amino acid position is conserved. In addition, this alteration is predicted to be tolerated by in silico analysis. Based on the available evidence, the clinical significance of this variant remains unclear.

NM_001114753.3(ENG):c.1352A>G (p.Gln451Arg)

Genes: ENG (endoglin; minus strand), LOC102723566 (uncharacterized LOC102723566; plus strand). Cytogenetic location: 9q34.11.
Variant type: single nucleotide variant.
Coding change: c.1352A>G on transcript NM_001114753.3 (MANE Select); coding-DNA position 1352, A replaced by G.
Protein change: p.Gln451Arg; replaces glutamine 451 with arginine.
Molecular consequence: missense variant.
Genome position (GRCh38, 1-based): chr9:127,818,792, T>C on the plus strand (A>G on the coding strand, the complement: ENG is on the minus strand). VCF-style: chr9-127818792-T-C. GRCh37 (hg19) VCF-style: chr9-130581071-T-C.
Other names: c.1352A>G, p.Gln451Arg (NM_000118.4); c.806A>G, p.Gln269Arg (NM_001278138.2); short protein forms Q269R, Q451R.
Identifiers: ClinVar variation 5035935 (VCV005035935.1).